The following is an entry in ClinVar:

ClinVar aggregate classification (germline): Likely benign (0 of 4 stars; one submission).

Conditions:
ARID1B-Related Disorder. Identifiers: MedGen CN381337.

Allele frequency attached by ClinVar (database versions not stated): ExAC 0.00001; gnomAD 0.00001; gnomAD exomes 0.00001; TOPMed 0.00002.
gnomAD v4.1: 16 of 1,610,472 alleles (0.00099%); highest among the groups gnomAD compares: Non-Finnish European, 0.0012%; no homozygotes.

Submission:

PreventionGenetics, part of Exact Sciences
Classification: Likely benign for ARID1B-related condition. Last evaluated: 2021-12-03. Review status: no assertion criteria provided. Collection method: clinical testing. Allele origin: germline.
Comment: This variant is classified as likely benign based on ACMG/AMP sequence variant interpretation guidelines (Richards et al. 2015 PMID: 25741868, with internal and published modifications).

NM_001374828.1(ARID1B):c.1986+10G>A

Gene: ARID1B (AT-rich interaction domain 1B; plus strand). Cytogenetic location: 6q25.3.
Variant type: single nucleotide variant.
Coding change: c.1986+10G>A on transcript NM_001374828.1 (MANE Select); 10 bases into the intron after coding-DNA position 1986, G replaced by A.
Molecular consequence: intron variant.
Genome position (GRCh38, 1-based): chr6:156,829,431, G>A. VCF-style: chr6-156829431-G-A. GRCh37 (hg19) VCF-style: chr6-157150565-G-A.
Other names: c.1986+10G>A (NM_001371656.1, NM_001374820.1, NM_017519.3); c.1737+10G>A (NM_020732.3).
Identifiers: ClinVar variation 3036044 (VCV003036044.2), dbSNP rs757614786, ClinGen allele CA4066856.